The following is an entry in ClinVar:

ClinVar aggregate classification (germline): Conflicting classifications of pathogenicity. Review status: criteria provided, conflicting classifications (1 of 4 stars). 9 submissions from 4 submitters: Uncertain significance (4); Benign (3); Likely benign (1). 1 of the submissions does not count toward it. Last evaluated 2023-10-01.

Conditions:
Retinitis pigmentosa (RP). Identifiers: Orphanet 791, MedGen C0035334, MeSH D012174, MONDO:0019200, OMIM 268000. Inheritance: Autosomal dominant, autosomal recessive and X linked inheritance.
Patterned macular dystrophy 1. Also called: BUTTERFLY DYSTROPHY OF RETINAL PIGMENT EPITHELIUM; MACULAR DYSTROPHY, BUTTERFLY-SHAPED PIGMENTARY. Identifiers: Orphanet 99001, MedGen C4551999, MONDO:0008210, OMIM 169150.
Pigmentary retinal dystrophy. Also called: Fundus albipunctatus. Identifiers: Orphanet 227796, Orphanet 52427, MedGen C0311338, MONDO:0007639, OMIM 136880, HP:0030642.
Adult-onset foveomacular vitelliform dystrophy. Also called: FOVEOMACULAR DYSTROPHY, ADULT-ONSET, WITH OR WITHOUT CHOROIDAL NEOVASCULARIZATION; FOVEOMACULAR DYSTROPHY, ADULT-ONSET; Adult onset vitelliform dystrophy. Identifiers: Orphanet 99000, MedGen C1842914, MONDO:0011979.
Retinal dystrophy. Also called: Inherited retinal dystrophy. Identifiers: Orphanet 71862, MedGen C0854723, MeSH D058499, MONDO:0019118, HP:0000556.
PRPH2-related disorder. Also called: PRPH2-related disorders; PRPH2-related condition. Identifiers: MedGen CN239395.
Choroidal dystrophy, central areolar 2 (CACD2). Also called: Choriodal Dystrophy, Central Areolar 2; MACULAR DYSTROPHY, PROGRESSIVE. Identifiers: Orphanet 75377, MedGen C2751290, MONDO:0013137, OMIM 613105.
Cone-rod dystrophy. Also called: Cone/cone-rod dystrophy; Cone-rod degeneration. Identifiers: Orphanet 1872, MedGen C4085590, MONDO:0015993, HP:0000548.

Allele frequency attached by ClinVar (database versions not stated): ExAC 0.00002; gnomAD exomes 0.00004 and 0.00002; 1000 Genomes Project 0.00020; gnomAD 0.00001; 1000 Genomes Project 30x 0.00016.
gnomAD v4.1: 53 of 1,613,876 alleles (0.0033%); highest among the groups gnomAD compares: East Asian, 0.12%; no homozygotes.

Submissions (9):

Dept Of Ophthalmology, Nagoya University
Classification: Benign for Retinal dystrophy. Last evaluated: 2023-10-01. Review status: criteria provided, single submitter. Criteria: Submitter's publication. Collection method: research. Allele origin: germline. Affected: yes.

Labcorp Genetics (formerly Invitae), Labcorp
Classification: Uncertain significance for PRPH2-related disorder. Last evaluated: 2022-09-27. Review status: criteria provided, single submitter. Criteria: Invitae Variant Classification Sherloc (09022015). Collection method: clinical testing. Allele origin: germline.
Comment: This sequence change replaces phenylalanine, which is neutral and non-polar, with leucine, which is neutral and non-polar, at codon 319 of the PRPH2 protein (p.Phe319Leu). Algorithms developed to predict the effect of missense changes on protein structure and function (SIFT, PolyPhen-2, Align-GVGD) all suggest that this variant is likely to be tolerated. In summary, the available evidence is currently insufficient to determine the role of this variant in disease. Therefore, it has been classified as a Variant of Uncertain Significance. ClinVar contains an entry for this variant (Variation ID: 908960). This missense change has been observed in individual(s) with retinitis pigmentosa (PMID: 25268133, 31213501). This variant is present in population databases (rs139329966, gnomAD 0.03%).

Illumina Laboratory Services, Illumina
Classification: Uncertain significance for Retinitis pigmentosa. Last evaluated: 2018-01-12. Review status: criteria provided, single submitter. Criteria: ICSL Variant Classification Criteria 13 December 2019. Collection method: clinical testing. Allele origin: germline.

Illumina Laboratory Services, Illumina
Classification: Benign for Choroidal dystrophy, central areolar 2. Last evaluated: 2018-01-12. Review status: criteria provided, single submitter. Criteria: ICSL Variant Classification Criteria 13 December 2019. Collection method: clinical testing. Allele origin: germline.
Comment: This variant was observed in the ICSL laboratory as part of a predisposition screen in an ostensibly healthy population. It had not been previously curated by ICSL or reported in the Human Gene Mutation Database (HGMD: prior to June 1st, 2018), and was therefore a candidate for classification through an automated scoring system. Utilizing variant allele frequency, disease prevalence and penetrance estimates, and inheritance mode, an automated score was calculated to assess if this variant is too frequent to cause the disease. Based on the score and internal cut-off values, a variant classified as benign is not then subjected to further curation. The score for this variant resulted in a classification of benign for this disease.

Illumina Laboratory Services, Illumina
Classification: Uncertain significance for Patterned macular dystrophy 1. Last evaluated: 2018-01-12. Review status: criteria provided, single submitter. Criteria: ICSL Variant Classification Criteria 13 December 2019. Collection method: clinical testing. Allele origin: germline.

Illumina Laboratory Services, Illumina
Classification: Uncertain significance for Pigmentary retinal dystrophy. Last evaluated: 2018-01-12. Review status: criteria provided, single submitter. Criteria: ICSL Variant Classification Criteria 13 December 2019. Collection method: clinical testing. Allele origin: germline.

Illumina Laboratory Services, Illumina
Classification: Likely benign for Cone-rod dystrophy. Last evaluated: 2018-01-12. Review status: criteria provided, single submitter. Criteria: ICSL Variant Classification Criteria 13 December 2019. Collection method: clinical testing. Allele origin: germline.
Comment: This variant was observed in the ICSL laboratory as part of a predisposition screen in an ostensibly healthy population. It had not been previously curated by ICSL or reported in the Human Gene Mutation Database (HGMD: prior to June 1st, 2018), and was therefore a candidate for classification through an automated scoring system. Utilizing variant allele frequency, disease prevalence and penetrance estimates, and inheritance mode, an automated score was calculated to assess if this variant is too frequent to cause the disease. Based on the score and internal cut-off values, a variant classified as likely benign is not then subjected to further curation. The score for this variant resulted in a classification of likely benign for this disease.

Illumina Laboratory Services, Illumina
Classification: Benign for Vitelliform macular dystrophy 3. Last evaluated: 2018-01-12. Review status: criteria provided, single submitter. Criteria: ICSL Variant Classification Criteria 13 December 2019. Collection method: clinical testing. Allele origin: germline.
Comment: the same text as in the submission from Illumina Laboratory Services, Illumina above.

Leiden Open Variation Database
Classification: Uncertain significance. Last evaluated: 2021-06-04. Review status: no assertion criteria provided. Collection method: curation. Allele origin: germline. Affected: yes. Not counted in ClinVar's aggregate classification.
Comment: Curator: Global Variome, with Curator vacancy. Submitters to LOVD: LOVD, Yoshito Koyanagi.

Literature cited by the submitters: PubMed 25268133 (cited by Labcorp Genetics (formerly Invitae), Labcorp and Leiden Open Variation Database); PubMed 31213501 (cited by Labcorp Genetics (formerly Invitae), Labcorp and Leiden Open Variation Database).

NM_000322.5(PRPH2):c.955T>C (p.Phe319Leu)

Gene: PRPH2 (peripherin 2; minus strand). Cytogenetic location: 6p21.1.
Variant type: single nucleotide variant.
Coding change: c.955T>C on transcript NM_000322.5 (MANE Select); coding-DNA position 955, T replaced by C.
Protein change: p.Phe319Leu; replaces phenylalanine 319 with leucine.
Molecular consequence: missense variant.
Genome position (GRCh38, 1-based): chr6:42,698,381, A>G on the plus strand (T>C on the coding strand, the complement: PRPH2 is on the minus strand). VCF-style: chr6-42698381-A-G. GRCh37 (hg19) VCF-style: chr6-42666119-A-G.
Other names: short protein forms F319L.
Identifiers: ClinVar variation 908960 (VCV000908960.15), dbSNP rs139329966, ClinGen allele CA3808471.